The following is an entry in ClinVar:

ClinVar aggregate classification (germline): Pathogenic/Likely pathogenic. Review status: criteria provided, multiple submitters, no conflicts (2 of 4 stars). 2 submissions from 2 submitters: Pathogenic (1); Likely pathogenic (1).

Conditions:
Nicolaides-Baraitser syndrome (NCBRS). Also called: Intellectual disability-sparse hair-brachydactyly syndrome; SMARCA2-Related Nicolaides-Baraitser Syndrome. Identifiers: Orphanet 3051, MedGen C1303073, MONDO:0011053, OMIM 601358.
Blepharophimosis-impaired intellectual development syndrome. Identifiers: Orphanet 637013, MedGen C5443984, MONDO:0859139, OMIM 619293.

Submissions (2):

Institute for Medical Genetics and Human Genetics, Charité - Universitätsmedizin Berlin
Classification: Pathogenic for Nicolaides-Baraitser syndrome. Review status: criteria provided, single submitter. Criteria: ACMG Guidelines, 2015. Collection method: not provided. Allele origin: germline. Inheritance: Autosomal dominant inheritance. Affected: yes.

Juno Genomics, Hangzhou Juno Genomics, Inc
Classification: Likely pathogenic for Blepharophimosis-impaired intellectual development syndrome; Nicolaides-Baraitser syndrome. Review status: criteria provided, single submitter. Criteria: ACMG Guidelines, 2015. Collection method: clinical testing. Allele origin: germline.
Comment: Absent from controls (or at extremely low frequency if recessive) in Genome Aggregation Database.;Missense variant in a gene that has a low rate of benign missense variation.;De novo (both maternity and paternity confirmed) in a patient with the disease and no family history.;The prevalence of the variant in affected individuals is significantly increased compared to the prevalence in controls.;Patient's phenotype or family history is highly specific for a disease with a single genetic etiology.

NM_003070.5(SMARCA2):c.3655G>C (p.Ala1219Pro)

Gene: SMARCA2 (SWI/SNF related BAF chromatin remodeling complex subunit ATPase 2; plus strand). Cytogenetic location: 9p24.3.
Variant type: single nucleotide variant.
Coding change: c.3655G>C on transcript NM_003070.5 (MANE Select); coding-DNA position 3655, G replaced by C.
Protein change: p.Ala1219Pro; replaces alanine 1219 with proline.
Molecular consequence: missense variant.
Genome position (GRCh38, 1-based): chr9:2,116,020, G>C. VCF-style: chr9-2116020-G-C. GRCh37 (hg19) VCF-style: chr9-2116020-G-C.
Other names: c.3655G>C, p.Ala1219Pro (NM_001289396.2, NM_139045.4); c.3481G>C, p.Ala1161Pro (NM_001289397.2); short protein forms A1161P, A1219P.
Identifiers: ClinVar variation 2580925 (VCV002580925.4), dbSNP rs2537404828, ClinGen allele CA372789068.